The following is an entry in ClinVar:

NM_007332.3(TRPA1):c.2592G>A (p.Glu864=)

Genes: MSC-AS1 (MSC antisense RNA 1; plus strand), TRPA1 (transient receptor potential cation channel subfamily A member 1; minus strand), LOC126860417 (BRD4-independent group 4 enhancer GRCh37_chr8:72945660-72946859; plus strand). Cytogenetic location: 8q21.11.
Variant type: single nucleotide variant.
Coding change: c.2592G>A on transcript NM_007332.3 (MANE Select); coding-DNA position 2592, G replaced by A.
Protein change: p.Glu864=; no amino-acid change (glutamic acid 864 retained).
Molecular consequence: synonymous variant.
Genome position (GRCh38, 1-based): chr8:72,034,341, C>T on the plus strand (G>A on the coding strand, the complement: TRPA1 is on the minus strand). VCF-style: chr8-72034341-C-T. GRCh37 (hg19) VCF-style: chr8-72946576-C-T.
Identifiers: ClinVar variation 3058634 (VCV003058634.2), dbSNP rs769931136, ClinGen allele CA461335530.

ClinVar aggregate classification (germline): Likely benign (0 of 4 stars; one submission).

Conditions:
TRPA1-related disorder. Also called: TRPA1-related condition.

gnomAD v4.1: 3 of 1,555,114 alleles (0.00019%); highest among the groups gnomAD compares: African/African-American, 0.0041%; no homozygotes.

Submission:

PreventionGenetics, part of Exact Sciences
Classification: Likely benign for TRPA1-related condition. Last evaluated: 2019-04-24. Review status: no assertion criteria provided. Collection method: clinical testing. Allele origin: germline.
Comment: This variant is classified as likely benign based on ACMG/AMP sequence variant interpretation guidelines (Richards et al. 2015 PMID: 25741868, with internal and published modifications).